The following is an entry in ClinVar:

ClinVar aggregate classification (germline): Uncertain significance. Review status: criteria provided, multiple submitters, no conflicts (2 of 4 stars). 2 submissions from 2 submitters: Uncertain significance (2). Last evaluated 2025-08-18.

Conditions:
Hereditary cancer-predisposing syndrome. Also called: Neoplastic Syndromes, Hereditary; Tumor predisposition; Hereditary Cancer Syndrome; Hereditary neoplastic syndrome. Identifiers: Orphanet 140162, MedGen C0027672, MeSH D009386, MONDO:0015356.
Familial adenomatous polyposis 1 (FAP1). Also called: FAMILIAL ADENOMATOUS POLYPOSIS 1, ATTENUATED; POLYPOSIS, ADENOMATOUS INTESTINAL. Identifiers: MedGen C2713442, MONDO:0021056, OMIM 175100. Disease mechanism: loss of function.

Submissions (2):

Labcorp Genetics (formerly Invitae), Labcorp
Classification: Uncertain significance for Familial adenomatous polyposis 1. Last evaluated: 2025-08-18. Review status: criteria provided, single submitter. Criteria: Invitae Variant Classification Sherloc (09022015). Collection method: clinical testing. Allele origin: germline.
Comment: This sequence change replaces leucine, which is neutral and non-polar, with serine, which is neutral and polar, at codon 548 of the APC protein (p.Leu548Ser). This variant is not present in population databases (gnomAD no frequency). This variant has not been reported in the literature in individuals affected with APC-related conditions. ClinVar contains an entry for this variant (Variation ID: 1777096). Invitae Evidence Modeling of protein sequence and biophysical properties (such as structural, functional, and spatial information, amino acid conservation, physicochemical variation, residue mobility, and thermodynamic stability) has been performed for this missense variant. However, the output from this modeling did not meet the statistical confidence thresholds required to predict the impact of this variant on APC protein function. In summary, the available evidence is currently insufficient to determine the role of this variant in disease. Therefore, it has been classified as a Variant of Uncertain Significance.

Ambry Genetics
Classification: Uncertain significance for Hereditary cancer-predisposing syndrome. Last evaluated: 2022-03-23. Review status: criteria provided, single submitter. Criteria: Ambry Variant Classification Scheme 2023. Collection method: clinical testing. Allele origin: germline.
Comment: The p.L548S variant (also known as c.1643T>C), located in coding exon 13 of the APC gene, results from a T to C substitution at nucleotide position 1643. The leucine at codon 548 is replaced by serine, an amino acid with dissimilar properties. This amino acid position is conserved. In addition, in silico predictors for this gene do not accurately predict pathogenicity. Since supporting evidence is limited at this time, the clinical significance of this alteration remains unclear.

NM_000038.6(APC):c.1643T>C (p.Leu548Ser)

Gene: APC (APC regulator of Wnt signaling pathway; plus strand). Cytogenetic location: 5q22.2.
Variant type: single nucleotide variant.
Coding change: c.1643T>C on transcript NM_000038.6 (MANE Select); coding-DNA position 1643, T replaced by C.
Protein change: p.Leu548Ser; replaces leucine 548 with serine.
Molecular consequence: missense variant.
Genome position (GRCh38, 1-based): chr5:112,828,872, T>C. VCF-style: chr5-112828872-T-C. GRCh37 (hg19) VCF-style: chr5-112164569-T-C.
Other names: c.1643T>C, p.Leu548Ser (NM_001127510.3, NM_001354895.2, NM_001407450.1); c.1589T>C, p.Leu530Ser (NM_001127511.3); c.1697T>C, p.Leu566Ser (NM_001354896.2, NM_001407447.1, NM_001407448.1 and 1 more transcripts); c.1673T>C, p.Leu558Ser (NM_001354897.2); c.1568T>C, p.Leu523Ser (NM_001354898.2); c.1559T>C, p.Leu520Ser (NM_001354899.2); c.1520T>C, p.Leu507Ser (NM_001354900.2); c.1466T>C, p.Leu489Ser (NM_001354901.2, NM_001407453.1); and 11 more; short protein forms L265S, L465S, L520S, L523S, L538S, L541S, L419S, L558S.
Identifiers: ClinVar variation 1777096 (VCV001777096.3), dbSNP rs2533241609, ClinGen allele CA16024897.